The following is an entry in ClinVar:

ClinVar aggregate classification (germline): Uncertain significance. Review status: criteria provided, multiple submitters, no conflicts (2 of 4 stars). 2 submissions from 2 submitters: Uncertain significance (2). Last evaluated 2026-03-17.

Conditions:
Inborn genetic diseases. Identifiers: MedGen C0950123, MeSH D030342.
Early-infantile DEE. Also called: Early infantile epileptic encephalopathy; Ohtahara syndrome; Early infantile epileptic encephalopathy with suppression bursts. Identifiers: Orphanet 1934, MedGen C0393706, MONDO:0800491.

Allele frequency attached by ClinVar (database versions not stated): ExAC 0.00002; gnomAD 0.00001; gnomAD exomes 0.00001; TOPMed below 0.00001.
gnomAD v4.1: 10 of 1,606,514 alleles (0.00062%); highest among the groups gnomAD compares: African/African-American, 0.0013%; no homozygotes.

Submissions (2):

Ambry Genetics
Classification: Uncertain significance for Inborn genetic diseases. Last evaluated: 2026-03-17. Review status: criteria provided, single submitter. Criteria: Ambry Variant Classification Scheme 2023. Collection method: clinical testing. Allele origin: germline.

Labcorp Genetics (formerly Invitae), Labcorp
Classification: Uncertain significance for Early-infantile DEE. Last evaluated: 2020-12-09. Review status: criteria provided, single submitter. Criteria: Invitae Variant Classification Sherloc (09022015). Collection method: clinical testing. Allele origin: germline.
Comment: This sequence change replaces valine with glycine at codon 1297 of the SCN1A protein (p.Val1297Gly). The valine residue is highly conserved and there is a moderate physicochemical difference between valine and glycine. This variant is present in population databases (rs781267314, ExAC 0.005%). This variant has not been reported in the literature in individuals with SCN1A-related conditions. ClinVar contains an entry for this variant (Variation ID: 662021). Advanced modeling of protein sequence and biophysical properties (such as structural, functional, and spatial information, amino acid conservation, physicochemical variation, residue mobility, and thermodynamic stability) performed at Invitae indicates that this missense variant is expected to disrupt SCN1A protein function. In summary, the available evidence is currently insufficient to determine the role of this variant in disease. Therefore, it has been classified as a Variant of Uncertain Significance.

NM_001165963.4(SCN1A):c.3890T>G (p.Val1297Gly)

Genes: SCN1A (sodium voltage-gated channel alpha subunit 1; minus strand), LOC102724058 (uncharacterized LOC102724058; plus strand). Cytogenetic location: 2q24.3.
Variant type: single nucleotide variant.
Coding change: c.3890T>G on transcript NM_001165963.4 (MANE Select); coding-DNA position 3890, T replaced by G.
Protein change: p.Val1297Gly; replaces valine 1297 with glycine.
Molecular consequence: missense variant. On other transcripts: non-coding transcript variant (1).
Genome position (GRCh38, 1-based): chr2:166,009,831, A>C on the plus strand (T>G on the coding strand, the complement: SCN1A is on the minus strand). VCF-style: chr2-166009831-A-C. GRCh37 (hg19) VCF-style: chr2-166866341-A-C.
Other names: c.3806T>G, p.Val1269Gly (NM_001165964.3, NM_001353957.2, NM_001353958.2); c.3890T>G, p.Val1297Gly (NM_001202435.3, NM_001353948.2); c.3857T>G, p.Val1286Gly (NM_001353949.2, NM_001353950.2, NM_001353951.2 and 2 more transcripts); c.3854T>G, p.Val1285Gly (NM_001353954.2, NM_001353955.2); c.3803T>G, p.Val1268Gly (NM_001353960.2); c.1448T>G, p.Val483Gly (NM_001353961.2); short protein forms V1268G, V1286G, V1269G, V1285G, V1297G, V483G.
Identifiers: ClinVar variation 662021 (VCV000662021.10), dbSNP rs781267314, ClinGen allele CA1942867.